The following is an entry in ClinVar:

NM_145038.5(DRC1):c.1348C>A (p.Pro450Thr)

Gene: DRC1 (dynein regulatory complex subunit 1; plus strand). Cytogenetic location: 2p23.3.
Variant type: single nucleotide variant.
Coding change: c.1348C>A on transcript NM_145038.5 (MANE Select); coding-DNA position 1348, C replaced by A.
Protein change: p.Pro450Thr; replaces proline 450 with threonine.
Molecular consequence: missense variant.
Genome position (GRCh38, 1-based): chr2:26,444,900, C>A. VCF-style: chr2-26444900-C-A. GRCh37 (hg19) VCF-style: chr2-26667768-C-A.
Other names: short protein forms P450T.
Identifiers: ClinVar variation 1389519 (VCV001389519.8), dbSNP rs1214850546, ClinGen allele CA346111114.
Genomic context (GRCh38, chr2:26,444,900, plus strand): 5'-CTTCCCTGGGCAGCACCTGATTTCTGGTTCCTGAACAATGTTGGGCCTATTTCTCAGCAG[C>A]CCCAGAAGTCCGCCACACAGATAGTAGAAGAAATGCTTATGCGCTCAGGTGACTAGAACA-3'
Protein context (NP_659475.2, residues 440-460): LNNVGPISQQ[Pro450Thr]QKSATQIVEE

ClinVar aggregate classification (germline): Uncertain significance (1 of 4 stars; one submission).

Conditions:
Primary ciliary dyskinesia. Also called: Ciliary dyskinesia. Identifiers: Orphanet 244, MedGen C0008780, MONDO:0016575, HP:0012265.

Allele frequency attached by ClinVar (database versions not stated): TOPMed below 0.00001; gnomAD 0.00001.
gnomAD v4.1: 2 of 1,614,046 alleles (0.00012%); highest among the groups gnomAD compares: Non-Finnish European, 0.00017%; no homozygotes.

Submission:

Labcorp Genetics (formerly Invitae), Labcorp
Classification: Uncertain significance for Primary ciliary dyskinesia. Last evaluated: 2022-07-19. Review status: criteria provided, single submitter. Criteria: Invitae Variant Classification Sherloc (09022015). Collection method: clinical testing. Allele origin: germline.
Comment: This sequence change replaces proline, which is neutral and non-polar, with threonine, which is neutral and polar, at codon 450 of the DRC1 protein (p.Pro450Thr). This variant is not present in population databases (gnomAD no frequency). In summary, the available evidence is currently insufficient to determine the role of this variant in disease. Therefore, it has been classified as a Variant of Uncertain Significance. Algorithms developed to predict the effect of missense changes on protein structure and function are either unavailable or do not agree on the potential impact of this missense change (SIFT: "Tolerated"; PolyPhen-2: "Not Available"; Align-GVGD: "Class C0"). ClinVar contains an entry for this variant (Variation ID: 1389519). This variant has not been reported in the literature in individuals affected with DRC1-related conditions.